The following is an entry in ClinVar:

ClinVar aggregate classification (germline): Uncertain significance (1 of 4 stars; one submission).

Conditions:
Fanconi anemia (FA). Also called: Fanconi's anemia. Identifiers: Orphanet 84, MedGen C0015625, MeSH D005199, MONDO:0019391.

gnomAD v4.1: 1 of 1,613,636 alleles (0.000062%); highest among the groups gnomAD compares: Non-Finnish European, 0.000085%; no homozygotes.

Submission:

Labcorp Genetics (formerly Invitae), Labcorp
Classification: Uncertain significance for Fanconi anemia. Last evaluated: 2022-04-12. Review status: criteria provided, single submitter. Criteria: Invitae Variant Classification Sherloc (09022015). Collection method: clinical testing. Allele origin: germline.
Comment: In summary, the available evidence is currently insufficient to determine the role of this variant in disease. Therefore, it has been classified as a Variant of Uncertain Significance. Algorithms developed to predict the effect of missense changes on protein structure and function (SIFT, PolyPhen-2, Align-GVGD) all suggest that this variant is likely to be disruptive. This variant has not been reported in the literature in individuals affected with SLX4-related conditions. This variant is present in population databases (no rsID available, gnomAD 0.0009%). This sequence change replaces alanine, which is neutral and non-polar, with glycine, which is neutral and non-polar, at codon 1755 of the SLX4 protein (p.Ala1755Gly).

NM_032444.4(SLX4):c.5264C>G (p.Ala1755Gly)

Gene: SLX4 (SLX4 structure-specific endonuclease subunit; minus strand). Cytogenetic location: 16p13.3.
Variant type: single nucleotide variant.
Coding change: c.5264C>G on transcript NM_032444.4 (MANE Select); coding-DNA position 5264, C replaced by G.
Protein change: p.Ala1755Gly; replaces alanine 1755 with glycine.
Molecular consequence: missense variant.
Genome position (GRCh38, 1-based): chr16:3,582,583, G>C on the plus strand (C>G on the coding strand, the complement: SLX4 is on the minus strand). VCF-style: chr16-3582583-G-C. GRCh37 (hg19) VCF-style: chr16-3632584-G-C.
Other names: short protein forms A1755G.
Identifiers: ClinVar variation 2125609 (VCV002125609.4), dbSNP rs372921011, ClinGen allele CA394513853.
Genomic context (GRCh38, chr16:3,582,583, plus strand): 5'-GGCTGGTACAGCAGCACCTTCTGGTACAGGGCCGGCTTGGAGCGGATGTAGCACCTCAGC[G>C]CCTCGTCTGTGTCCGCCGCCTGCACGGCTGCCTGCGAGGCACTGACCTCCCCCTCGCCCT-3'
Protein context (NP_115820.2, residues 1745-1765): AAVQAADTDE[Ala1755Gly]LRCYIRSKPA